The following is an entry in ClinVar:

ClinVar aggregate classification (germline): Benign/Likely benign. Review status: criteria provided, multiple submitters, no conflicts (2 of 4 stars). 6 submissions from 6 submitters: Benign (2); Likely benign (3). 1 of the submissions does not count toward it. Last evaluated 2026-02-02.

Conditions:
MTPAP-related disorder. Also called: MTPAP-related condition.

Allele frequency attached by ClinVar (database versions not stated): 1000 Genomes Project 30x 0.00062; TOPMed 0.00079; 1000 Genomes Project 0.00080; ESP Exome Variant Server 0.00154; gnomAD exomes 0.00162 and 0.00247; gnomAD 0.00208 and 0.00217; ExAC 0.00218.
gnomAD v4.1: 2,681 of 1,614,140 alleles (0.17%); highest among the groups gnomAD compares: Non-Finnish European, 0.12%; 12 homozygotes.

Submissions (6):

Labcorp Genetics (formerly Invitae), Labcorp
Classification: Benign. Last evaluated: 2026-02-02. Review status: criteria provided, single submitter. Criteria: Invitae Variant Classification Sherloc (09022015). Collection method: clinical testing. Allele origin: germline.

Mayo Clinic Laboratories, Mayo Clinic
Classification: Likely benign. Last evaluated: 2025-09-02. Review status: criteria provided, single submitter. Criteria: ACMG Guidelines, 2015. Collection method: clinical testing. Allele origin: germline. Observed: 2 variant alleles.
Comment: BS1, BP4_strong

Athena Diagnostics
Classification: Likely benign. Last evaluated: 2017-03-03. Review status: criteria provided, single submitter. Criteria: Athena Diagnostics Criteria. Collection method: clinical testing. Allele origin: germline.

GeneDx
Classification: Benign. Last evaluated: 2015-09-16. Review status: criteria provided, single submitter. Criteria: GeneDx Variant Classification (06012015). Collection method: clinical testing. Allele origin: germline. Affected: yes.
Comment: This variant is considered likely benign or benign based on one or more of the following criteria: it is a conservative change, it occurs at a poorly conserved position in the protein, it is predicted to be benign by multiple in silico algorithms, and/or has population frequency not consistent with disease.

Breakthrough Genomics
Classification: Likely benign. Review status: criteria provided, single submitter. Criteria: ACMG Guidelines, 2015. Collection method: not provided. Allele origin: germline. Inheritance: Autosomal recessive inheritance. Affected: yes.

PreventionGenetics, part of Exact Sciences
Classification: Benign for MTPAP-related condition. Last evaluated: 2019-06-19. Review status: no assertion criteria provided. Collection method: clinical testing. Allele origin: germline. Not counted in ClinVar's aggregate classification.
Comment: This variant is classified as benign based on ACMG/AMP sequence variant interpretation guidelines (Richards et al. 2015 PMID: 25741868, with internal and published modifications).

NM_018109.4(MTPAP):c.1637G>A (p.Ser546Asn)

Gene: MTPAP (mitochondrial poly(A) polymerase; minus strand). Cytogenetic location: 10p11.23.
Variant type: single nucleotide variant.
Coding change: c.1637G>A on transcript NM_018109.4 (MANE Select); coding-DNA position 1637, G replaced by A.
Protein change: p.Ser546Asn; replaces serine 546 with asparagine.
Molecular consequence: missense variant.
Genome position (GRCh38, 1-based): chr10:30,313,721, C>T on the plus strand (G>A on the coding strand, the complement: MTPAP is on the minus strand). VCF-style: chr10-30313721-C-T. GRCh37 (hg19) VCF-style: chr10-30602650-C-T.
Other names: short protein forms S546N.
Identifiers: ClinVar variation 378180 (VCV000378180.15), dbSNP rs17855116, ClinGen allele CA5458915.